The following is an entry in ClinVar:

NM_153026.3(PRICKLE1):c.274G>A (p.Glu92Lys)

Genes: PRICKLE1 (prickle planar cell polarity protein 1; minus strand), LOC130007700 (ATAC-STARR-seq lymphoblastoid active region 6212; plus strand). Cytogenetic location: 12q12.
Variant type: single nucleotide variant.
Coding change: c.274G>A on transcript NM_153026.3 (MANE Select); coding-DNA position 274, G replaced by A.
Protein change: p.Glu92Lys; replaces glutamic acid 92 with lysine.
Molecular consequence: missense variant.
Genome position (GRCh38, 1-based): chr12:42,469,560, C>T on the plus strand (G>A on the coding strand, the complement: PRICKLE1 is on the minus strand). VCF-style: chr12-42469560-C-T. GRCh37 (hg19) VCF-style: chr12-42863362-C-T.
Other names: c.274G>A, p.Glu92Lys (NM_001144881.2, NM_001144882.2, NM_001144883.2); short protein forms E92K.
Identifiers: ClinVar variation 2101473 (VCV002101473.2), dbSNP rs2140116671, ClinGen allele CA384444349.

ClinVar aggregate classification (germline): Uncertain significance (1 of 4 stars; one submission).

Conditions:
Epilepsy, progressive myoclonic, 1B. Also called: PME. Identifiers: Orphanet 308, MedGen C2676254, MONDO:0012904, OMIM 612437.

Submission:

Labcorp Genetics (formerly Invitae), Labcorp
Classification: Uncertain significance for Epilepsy, progressive myoclonic, 1B. Last evaluated: 2022-02-22. Review status: criteria provided, single submitter. Criteria: Invitae Variant Classification Sherloc (09022015). Collection method: clinical testing. Allele origin: germline.
Comment: This variant is not present in population databases (gnomAD no frequency). In summary, the available evidence is currently insufficient to determine the role of this variant in disease. Therefore, it has been classified as a Variant of Uncertain Significance. Advanced modeling of protein sequence and biophysical properties (such as structural, functional, and spatial information, amino acid conservation, physicochemical variation, residue mobility, and thermodynamic stability) performed at Invitae indicates that this missense variant is expected to disrupt PRICKLE1 protein function. This variant has not been reported in the literature in individuals affected with PRICKLE1-related conditions. This sequence change replaces glutamic acid, which is acidic and polar, with lysine, which is basic and polar, at codon 92 of the PRICKLE1 protein (p.Glu92Lys).